The following is an entry in ClinVar:

ClinVar aggregate classification (germline): Uncertain significance (1 of 4 stars; one submission).

Allele frequency attached by ClinVar (database versions not stated): gnomAD exomes below 0.00001.
gnomAD v4.1: 1 of 1,611,354 alleles (0.000062%); highest among the groups gnomAD compares: Non-Finnish European, 0.000085%; no homozygotes.

Submission:

Labcorp Genetics (formerly Invitae), Labcorp
Classification: Uncertain significance. Last evaluated: 2023-12-01. Review status: criteria provided, single submitter. Criteria: Invitae Variant Classification Sherloc (09022015). Collection method: clinical testing. Allele origin: germline.
Comment: This sequence change falls in intron 10 of the KCNQ5 gene. It does not directly change the encoded amino acid sequence of the KCNQ5 protein. It affects a nucleotide within the consensus splice site. This variant is not present in population databases (gnomAD no frequency). This variant has not been reported in the literature in individuals affected with KCNQ5-related conditions. Variants that disrupt the consensus splice site are a relatively common cause of aberrant splicing (PMID: 17576681, 9536098). Algorithms developed to predict the effect of sequence changes on RNA splicing suggest that this variant is not likely to affect RNA splicing. In summary, the available evidence is currently insufficient to determine the role of this variant in disease. Therefore, it has been classified as a Variant of Uncertain Significance.

Literature cited by the submitters: PubMed 17576681; PubMed 9536098.

NM_019842.4(KCNQ5):c.1248-3569A>G

Gene: KCNQ5 (potassium voltage-gated channel subfamily Q member 5; plus strand). Cytogenetic location: 6q13.
Variant type: single nucleotide variant.
Coding change: c.1248-3569A>G on transcript NM_019842.4 (MANE Select); 3569 bases into the intron before coding-DNA position 1248, A replaced by G.
Molecular consequence: intron variant.
Genome position (GRCh38, 1-based): chr6:73,129,852, A>G. VCF-style: chr6-73129852-A-G. GRCh37 (hg19) VCF-style: chr6-73839575-A-G.
Other names: c.1304+3A>G (NM_001160133.2); c.1247+5340A>G (NM_001160134.2); c.1277+3A>G (NM_001160132.2); c.1221-3569A>G (NM_001160130.2).
Identifiers: ClinVar variation 2805985 (VCV002805985.3), dbSNP rs2533750695, ClinGen allele CA2679370820.
Genomic context (GRCh38, chr6:73,129,852, plus strand): 5'-GTAAGTTCTGTAGTAATAAGCAGAAGCTCTTCAGAATGTACACCTCACGGAAGCAGAGGT[A>G]CCCAGCATCCGGGCTATTGACATGAGATTTGAGAATGCCAACTAACCTCAGGTGCATGAC-3'